The following is an entry in ClinVar:

NM_003921.5(BCL10):c.289C>G (p.Gln97Glu)

Gene: BCL10 (BCL10 immune signaling adaptor; minus strand). Cytogenetic location: 1p22.3.
Variant type: single nucleotide variant.
Coding change: c.289C>G on transcript NM_003921.5 (MANE Select); coding-DNA position 289, C replaced by G.
Protein change: p.Gln97Glu; replaces glutamine 97 with glutamic acid.
Molecular consequence: missense variant.
Genome position (GRCh38, 1-based): chr1:85,270,675, G>C on the plus strand (C>G on the coding strand, the complement: BCL10 is on the minus strand). VCF-style: chr1-85270675-G-C. GRCh37 (hg19) VCF-style: chr1-85736358-G-C.
Other names: c.289C>G, p.Gln97Glu (NM_001320715.2); short protein forms Q97E.
Identifiers: ClinVar variation 936125 (VCV000936125.10), dbSNP rs150019339, ClinGen allele CA929783.

ClinVar aggregate classification (germline): Uncertain significance. Review status: criteria provided, multiple submitters, no conflicts (2 of 4 stars). 3 submissions from 3 submitters: Uncertain significance (3). Last evaluated 2025-04-18.

Conditions:
Immunodeficiency 37 (IMD37). Identifiers: MedGen C4015195, MONDO:0014491, OMIM 616098.

Allele frequency attached by ClinVar (database versions not stated): ESP Exome Variant Server 0.00008; gnomAD 0.00026 and 0.00033; TOPMed 0.00028; gnomAD exomes 0.00029; ExAC 0.00031; 1000 Genomes Project 30x 0.00078; 1000 Genomes Project 0.00100.

Submissions (3):

Clinical Genomics Laboratory, Washington University in St. Louis
Classification: Uncertain significance for Immunodeficiency 37. Last evaluated: 2025-04-18. Review status: criteria provided, single submitter. Criteria: ACMG Guidelines, 2015. Collection method: clinical testing. Allele origin: germline.
Comment: The BCL10 c.289C>G (p.Gln97Glu) variant, to our knowledge, has not been reported in the medical literature. This variant, along with all other reported variants, resides within a region, amino acids 13-101, of BCL10 that is defined as a critical functional domain (Alsaidalani AA et al., PMID: 38129623). The highest population minor allele frequency in the population database genome aggregation database (v.2.1.1) is 0.02% in the European non-Finnish population. Computational predictors suggest that the variant does not impact BCL10 function. This variant has been reported in the ClinVar database as a germline variant of uncertain significance by a single submitter (Variation ID: 936125). Due to limited information, and based on ACMG/AMP guidelines for variant interpretation (Richards S et al., PMID: 25741868), the clinical significance of this variant is uncertain at this time.

Blueprint Genetics
Classification: Uncertain significance. Last evaluated: 2024-06-25. Review status: criteria provided, single submitter. Criteria: ACMG Guidelines, 2015. Collection method: clinical testing. Allele origin: germline.

Labcorp Genetics (formerly Invitae), Labcorp
Classification: Uncertain significance for Immunodeficiency 37. Last evaluated: 2023-12-22. Review status: criteria provided, single submitter. Criteria: Invitae Variant Classification Sherloc (09022015). Collection method: clinical testing. Allele origin: germline.
Comment: This sequence change replaces glutamine, which is neutral and polar, with glutamic acid, which is acidic and polar, at codon 97 of the BCL10 protein (p.Gln97Glu). This variant is present in population databases (rs150019339, gnomAD 0.1%). This variant has not been reported in the literature in individuals affected with BCL10-related conditions. ClinVar contains an entry for this variant (Variation ID: 936125). Algorithms developed to predict the effect of missense changes on protein structure and function output the following: SIFT: "Not Available"; PolyPhen-2: "Benign"; Align-GVGD: "Not Available". The glutamic acid amino acid residue is found in multiple mammalian species, which suggests that this missense change does not adversely affect protein function. In summary, the available evidence is currently insufficient to determine the role of this variant in disease. Therefore, it has been classified as a Variant of Uncertain Significance.